The following is an entry in ClinVar:

NM_001010892.3(RSPH4A):c.293C>T (p.Ala98Val)

Gene: RSPH4A (radial spoke head component 4A; plus strand). Cytogenetic location: 6q22.1.
Variant type: single nucleotide variant.
Coding change: c.293C>T on transcript NM_001010892.3 (MANE Select); coding-DNA position 293, C replaced by T.
Protein change: p.Ala98Val; replaces alanine 98 with valine.
Molecular consequence: missense variant.
Genome position (GRCh38, 1-based): chr6:116,616,916, C>T. VCF-style: chr6-116616916-C-T. GRCh37 (hg19) VCF-style: chr6-116938079-C-T.
Other names: c.293C>T, p.Ala98Val (NM_001161664.2); short protein forms A98V.
Identifiers: ClinVar variation 4988038 (VCV004988038.1).

ClinVar aggregate classification (germline): Uncertain significance (1 of 4 stars; one submission).

Conditions:
RSPH4A-related disorder. Also called: RSPH4A-related condition.

gnomAD v4.1: 7 of 1,614,110 alleles (0.00043%); highest among the groups gnomAD compares: Admixed American, 0.0017%; no homozygotes.

Submission:

PreventionGenetics, part of Exact Sciences
Classification: Uncertain significance for RSPH4A-related condition. Last evaluated: 2024-10-11. Review status: criteria provided, single submitter. Criteria: ACMG Guidelines, 2015. Collection method: clinical testing. Allele origin: germline.
Comment: The RSPH4A c.293C>T variant is predicted to result in the amino acid substitution p.Ala98Val. To our knowledge, this variant has not been reported in the literature. This variant is reported in 0.0065% of alleles in individuals of European (Non-Finnish) descent in gnomAD. At this time, the clinical significance of this variant is uncertain due to the absence of conclusive functional and genetic evidence.